The following is an entry in ClinVar:

NM_000492.4(CFTR):c.3367+215_3367+258del

Genes: CFTR (CF transmembrane conductance regulator; plus strand), CFTR-AS2 (CFTR antisense RNA 2; minus strand), LOC111674472 (DNase I hypersensitive sites in introns 16 and 17a of CFTR; plus strand). Cytogenetic location: 7q31.2.
Variant type: Deletion.
Coding change: c.3367+215_3367+258del on transcript NM_000492.4 (MANE Select); bases 215 to 258 of the intron after coding-DNA position 3367, 44 bases deleted.
Molecular consequence: intron variant.
Genome position (GRCh38, 1-based): chr7:117,612,023-117,612,066, 44 bases deleted; deleting any 44 consecutive bases within chr7:117,612,011-117,612,066 gives the same sequence; the c. name uses the placement nearest the transcript's 3' end. GRCh37 (hg19): chr7:117,252,077-117,252,120.
Identifiers: ClinVar variation 2657961 (VCV002657961.24), dbSNP rs1371590659, ClinGen allele CA577222652.
Genomic context (GRCh38, chr7:117,612,010, plus strand): 5'-TGATTTCTTTGAATTTCCATTGTTTTATTGTTAAACAAATAATTTCCTTGAAATCGGATA[TATATATATATATGTATATATATATATATATATATATATATATAC>T]ATATATATATATAGTATTATCCCTGTTTTCACAGTTTTAAAAACCGATGCACACAGATTG-3'

ClinVar aggregate classification (germline): Likely benign (1 of 4 stars; one submission).

Submission:

CeGaT Center for Human Genetics Tuebingen
Classification: Likely benign. Last evaluated: 2023-03-01. Review status: criteria provided, single submitter. Criteria: CeGaT Center For Human Genetics Tuebingen Variant Classification Criteria Version 2. Collection method: clinical testing. Allele origin: germline. Affected: yes. Observed: 1 variant allele.
Comment: CFTR: BS2